The following is an entry in ClinVar:

ClinVar aggregate classification (germline): Conflicting classifications of pathogenicity. Review status: criteria provided, conflicting classifications (1 of 4 stars). 3 submissions from 3 submitters: Uncertain significance (2); Likely benign (1). Last evaluated 2026-01-15.

Conditions:
Absence seizure. Also called: Absence epilepsy. Identifiers: Orphanet 1941, MedGen C0014553.
Myoclonic epilepsy, juvenile, susceptibility to, 1. Also called: Myoclonic Epilepsy, Juvenile, 1; EJM1. Identifiers: MedGen C1850778, MONDO:0020752, OMIM 254770.

Allele frequency attached by ClinVar (database versions not stated): gnomAD exomes 0.00004 and 0.00001; gnomAD 0.00001.
gnomAD v4.1: 68 of 1,614,122 alleles (0.0042%); highest among the groups gnomAD compares: Non-Finnish European, 0.0051%; no homozygotes.

Submissions (3):

Labcorp Genetics (formerly Invitae), Labcorp
Classification: Likely benign for Myoclonic epilepsy, juvenile, susceptibility to, 1; Absence seizure. Last evaluated: 2026-01-15. Review status: criteria provided, single submitter. Criteria: Invitae Variant Classification Sherloc (09022015). Collection method: clinical testing. Allele origin: germline.

Ambry Genetics
Classification: Uncertain significance. Last evaluated: 2024-10-28. Review status: criteria provided, single submitter. Criteria: Ambry Variant Classification Scheme 2023. Collection method: clinical testing. Allele origin: germline.

GeneDx
Classification: Uncertain significance. Last evaluated: 2015-03-20. Review status: criteria provided, single submitter. Criteria: GeneDx Variant Classification (06012015). Collection method: clinical testing. Allele origin: germline. Affected: yes.
Comment: p.Gly8Arg (GGC>CGC): c.22 G>C in exon 1 of the EFHC1 gene (NM_018100.3). The G8R variant has not been published as a mutation, nor has it been reported as a benign polymorphism to our knowledge. It was not observed in approximately 6,500 individuals of European and African American ancestry in the NHLBI Exome Sequencing Project, indicating it is not a common benign variant in these populations. The G8R variant is a non-conservative amino acid substitution, which is likely to impact secondary protein structure as these residues differ in polarity, charge, size and/or other properties. However, this substitution occurs at a position that is not conserved across species, and Arginine is observed at this position in one mammalian species in evolution. In silico analysis is inconsistent in its predictions as to whether or not the variant is damaging to the protein structure/function, and missense mutations in nearby residues have not been reported in association with JME. Therefore, based on the currently available information, it is unclear whether this variant is a pathogenic mutation or a rare benign variant. The variant is found in EPILEPSY panel(s).

NM_018100.4(EFHC1):c.22G>C (p.Gly8Arg)

Gene: EFHC1 (EF-hand domain containing 1; plus strand). Cytogenetic location: 6p12.2.
Variant type: single nucleotide variant.
Coding change: c.22G>C on transcript NM_018100.4 (MANE Select); coding-DNA position 22, G replaced by C.
Protein change: p.Gly8Arg; replaces glycine 8 with arginine.
Molecular consequence: missense variant. On other transcripts: non-coding transcript variant (1).
Genome position (GRCh38, 1-based): chr6:52,420,432, G>C. VCF-style: chr6-52420432-G-C. GRCh37 (hg19) VCF-style: chr6-52285230-G-C.
Other names: p.G8R:GGC>CGC; short protein forms G8R.
Identifiers: ClinVar variation 205418 (VCV000205418.13), dbSNP rs200510672, ClinGen allele CA314470.